The following is an entry in ClinVar:

ClinVar aggregate classification (germline): Pathogenic/Likely pathogenic. Review status: criteria provided, multiple submitters, no conflicts (2 of 4 stars). 2 submissions from 2 submitters: Pathogenic (1); Likely pathogenic (1). Last evaluated 2025-04-23.

Conditions:
Autoimmune lymphoproliferative syndrome type 1. Also called: AUTOIMMUNE LYMPHOPROLIFERATIVE SYNDROME, TYPE I, AUTOSOMAL DOMINANT. Identifiers: Orphanet 3261, MedGen C2717884, MONDO:0011158, OMIM 601859.

Submissions (2):

GeneDx
Classification: Likely pathogenic. Last evaluated: 2025-04-23. Review status: criteria provided, single submitter. Criteria: GeneDx Variant Classification Process June 2021. Collection method: clinical testing. Allele origin: germline. Affected: yes.
Comment: Published functional studies suggest a damaging effect due to failure of the variant protein to inhibit cell proliferation, induce apoptosis, and activate caspases 3 and 7 (PMID: 37392849); Not observed at significant frequency in large population cohorts (gnomAD); In silico analysis supports that this missense variant has a deleterious effect on protein structure/function; This variant is associated with the following publications: (PMID: 37683818, 33816397, 37392849)

Labcorp Genetics (formerly Invitae), Labcorp
Classification: Pathogenic for Autoimmune lymphoproliferative syndrome. Last evaluated: 2022-08-01. Review status: criteria provided, single submitter. Criteria: Invitae Variant Classification Sherloc (09022015). Collection method: clinical testing. Allele origin: germline.
Comment: This sequence change replaces glycine, which is neutral and non-polar, with valine, which is neutral and non-polar, at codon 253 of the FAS protein (p.Gly253Val). For these reasons, this variant has been classified as Pathogenic. Algorithms developed to predict the effect of missense changes on protein structure and function are either unavailable or do not agree on the potential impact of this missense change (SIFT: "Not Available"; PolyPhen-2: "Probably Damaging"; Align-GVGD: "Not Available"). ClinVar contains an entry for this variant (Variation ID: 863735). This missense change has been observed in individual(s) with autosomal dominant FAS-related conditions (PMID: 33816397; Invitae). It has also been observed to segregate with disease in related individuals. This variant is not present in population databases (gnomAD no frequency).

Literature cited by the submitters: PubMed 33816397 (cited by Labcorp Genetics (formerly Invitae), Labcorp).

NM_000043.6(FAS):c.758G>T (p.Gly253Val)

Gene: FAS (Fas cell surface death receptor; plus strand). Cytogenetic location: 10q23.31.
Variant type: single nucleotide variant.
Coding change: c.758G>T on transcript NM_000043.6 (MANE Select); coding-DNA position 758, G replaced by T.
Protein change: p.Gly253Val; replaces glycine 253 with valine.
Molecular consequence: missense variant. On other transcripts: 3 prime UTR variant (2), non-coding transcript variant (7).
Genome position (GRCh38, 1-based): chr10:89,014,200, G>T. VCF-style: chr10-89014200-G-T. GRCh37 (hg19) VCF-style: chr10-90773957-G-T.
Other names: c.*81G>T (NM_001320619.2); c.695G>T, p.Gly232Val (NM_152871.4); c.*70G>T (NM_152872.4); c.758G>T (NM_000043.4); short protein forms G232V, G253V.
Identifiers: ClinVar variation 863735 (VCV000863735.10), dbSNP rs1848671126, ClinGen allele CA377509733.